The following is an entry in ClinVar:

ClinVar aggregate classification (germline): Pathogenic (1 of 4 stars; one submission).

Conditions:
Neuronal ceroid lipofuscinosis. Also called: Neuronal Ceroid Lipofuscinoses. Identifiers: Orphanet 216, Orphanet 79263, MedGen C0027877, MONDO:0016295. Disease mechanism: loss of function.

Submission:

Labcorp Genetics (formerly Invitae), Labcorp
Classification: Pathogenic for Neuronal ceroid lipofuscinosis. Last evaluated: 2025-05-11. Review status: criteria provided, single submitter. Criteria: Invitae Variant Classification Sherloc (09022015). Collection method: clinical testing. Allele origin: germline.
Comment: This sequence change creates a premature translational stop signal (p.Gly343Glufs*25) in the CTSD gene. While this is not anticipated to result in nonsense mediated decay, it is expected to disrupt the last 70 amino acid(s) of the CTSD protein. This variant is not present in population databases (gnomAD no frequency). This variant has not been reported in the literature in individuals affected with CTSD-related conditions. This variant disrupts a region of the CTSD protein in which other variant(s) (p.Thr355Met) have been determined to be pathogenic (PMID: 32421885). This suggests that this is a clinically significant region of the protein, and that variants that disrupt it are likely to be disease-causing. For these reasons, this variant has been classified as Pathogenic.

Literature cited by the submitters: PubMed 32421885.

NM_001909.5(CTSD):c.1028del (p.Gly343fs)

Gene: CTSD (cathepsin D; minus strand). Cytogenetic location: 11p15.5.
Variant type: Deletion.
Coding change: c.1028del on transcript NM_001909.5 (MANE Select); coding-DNA position 1028, one base deleted (G; older notation c.1028delG).
Protein change: p.Gly343fs; shifts the reading frame from glycine 343.
Molecular consequence: frameshift variant.
Genome position (GRCh38, 1-based): chr11:1,753,846, C deleted on the plus strand (G on the coding strand, the reverse complement: CTSD is on the minus strand); the first of 3 consecutive C bases (chr11:1,753,846-1,753,848); deleting any one gives the same sequence. VCF-style (leftmost placement, unchanged base first): chr11-1753845-TC-T. GRCh37 (hg19) VCF-style: chr11-1775075-TC-T.
Other names: short protein forms G343fs.
Identifiers: ClinVar variation 4706655 (VCV004706655.1).